The following is an entry in ClinVar:

ClinVar aggregate classification (germline): Uncertain significance (1 of 4 stars; one submission).

Conditions:
TH-deficient dopa-responsive dystonia. Also called: Tyrosine Hydroxylase-Deficient Dopa-Responsive Dystonia; Segawa syndrome, autosomal recessive; DYT-TH. Identifiers: Orphanet 101150, MedGen C2673535, MONDO:0011551, OMIM 605407.

Submission:

Labcorp Genetics (formerly Invitae), Labcorp
Classification: Uncertain significance for TH-deficient dopa-responsive dystonia. Last evaluated: 2021-09-09. Review status: criteria provided, single submitter. Criteria: Invitae Variant Classification Sherloc (09022015). Collection method: clinical testing. Allele origin: germline.
Comment: This sequence change replaces glycine with valine at codon 67 of the TH protein (p.Gly67Val). The glycine residue is highly conserved and there is a moderate physicochemical difference between glycine and valine. This variant is not present in population databases (ExAC no frequency). This variant has not been reported in the literature in individuals affected with TH-related conditions. Advanced modeling of protein sequence and biophysical properties (such as structural, functional, and spatial information, amino acid conservation, physicochemical variation, residue mobility, and thermodynamic stability) performed at Invitae indicates that this missense variant is expected to disrupt TH protein function. Algorithms developed to predict the effect of sequence changes on RNA splicing suggest that this variant may create or strengthen a splice site. In summary, the available evidence is currently insufficient to determine the role of this variant in disease. Therefore, it has been classified as a Variant of Uncertain Significance.

NM_000360.4(TH):c.107G>T (p.Gly36Val)

Gene: TH (tyrosine hydroxylase; minus strand). Cytogenetic location: 11p15.5.
Variant type: single nucleotide variant.
Coding change: c.107G>T on transcript NM_000360.4 (MANE Select); coding-DNA position 107, G replaced by T.
Protein change: p.Gly36Val; replaces glycine 36 with valine.
Molecular consequence: missense variant.
Genome position (GRCh38, 1-based): chr11:2,169,855, C>A on the plus strand (G>T on the coding strand, the complement: TH is on the minus strand). VCF-style: chr11-2169855-C-A. GRCh37 (hg19) VCF-style: chr11-2191085-C-A.
Other names: c.200G>T, p.Gly67Val (NM_199292.3); c.188G>T, p.Gly63Val (NM_199293.3); short protein forms G63V, G67V, G36V.
Identifiers: ClinVar variation 1969072 (VCV001969072.2), dbSNP rs1358506695, ClinGen allele CA379112524.